The following is an entry in ClinVar:

NM_003036.4(SKI):c.1568C>T (p.Ser523Leu)

Gene: SKI (SKI proto-oncogene; plus strand). Cytogenetic location: 1p36.32.
Variant type: single nucleotide variant.
Coding change: c.1568C>T on transcript NM_003036.4 (MANE Select); coding-DNA position 1568, C replaced by T.
Protein change: p.Ser523Leu; replaces serine 523 with leucine.
Molecular consequence: missense variant.
Genome position (GRCh38, 1-based): chr1:2,304,386, C>T. VCF-style: chr1-2304386-C-T. GRCh37 (hg19) VCF-style: chr1-2235825-C-T.
Other names: short protein forms S523L.
Identifiers: ClinVar variation 180522 (VCV000180522.18), dbSNP rs730880212, ClinGen allele CA346663.

ClinVar aggregate classification (germline): Conflicting classifications of pathogenicity. Review status: criteria provided, conflicting classifications (1 of 4 stars). 5 submissions from 5 submitters: Uncertain significance (1); Likely benign (3). 1 of the submissions does not count toward it. Last evaluated 2025-12-18.

Conditions:
SKI-related disorder. Also called: SKI-related condition.
Familial thoracic aortic aneurysm and aortic dissection (TAAD). Also called: Thoracic aortic aneurysms and dissections. Identifiers: Orphanet 91387, MedGen C4707243, MONDO:0019625.
Shprintzen-Goldberg syndrome (SGS). Also called: SHPRINTZEN-GOLDBERG CRANIOSYNOSTOSIS SYNDROME; Marfanoid disorder with craniosynostosis type 1; Marfanoid craniosynostosis syndrome; Shprintzen-Goldberg marfanoid syndrome; CRANIOSYNOSTOSIS WITH ARACHNODACTYLY AND ABDOMINAL HERNIAS. Identifiers: Orphanet 2462, MedGen C1321551, MONDO:0008426, OMIM 182212.

Allele frequency attached by ClinVar (database versions not stated): gnomAD exomes 0.00006 and 0.00018; gnomAD 0.00007 and 0.00009; TOPMed 0.00011; ExAC 0.00033.
gnomAD v4.1: 106 of 1,551,926 alleles (0.0068%); highest among the groups gnomAD compares: Admixed American, 0.012%; no homozygotes.

Submissions (5):

Labcorp Genetics (formerly Invitae), Labcorp
Classification: Likely benign for Shprintzen-Goldberg syndrome. Last evaluated: 2025-12-18. Review status: criteria provided, single submitter. Criteria: Invitae Variant Classification Sherloc (09022015). Collection method: clinical testing. Allele origin: germline.

ARUP Laboratories, Molecular Genetics and Genomics, ARUP Laboratories
Classification: Likely benign for Shprintzen-Goldberg syndrome. Last evaluated: 2025-02-20. Review status: criteria provided, single submitter. Criteria: ARUP Molecular Germline Variant Investigation Process 2024. Collection method: clinical testing. Allele origin: germline.

Blueprint Genetics
Classification: Uncertain significance. Last evaluated: 2024-05-21. Review status: criteria provided, single submitter. Criteria: ACMG Guidelines, 2015. Collection method: clinical testing. Allele origin: germline.

Ambry Genetics
Classification: Likely benign for Familial thoracic aortic aneurysm and aortic dissection. Last evaluated: 2017-09-18. Review status: criteria provided, single submitter. Criteria: Ambry Variant Classification Scheme 2023. Collection method: clinical testing. Allele origin: germline.

PreventionGenetics, part of Exact Sciences
Classification: Likely benign for SKI-related condition. Last evaluated: 2022-01-12. Review status: no assertion criteria provided. Collection method: clinical testing. Allele origin: germline. Not counted in ClinVar's aggregate classification.
Comment: This variant is classified as likely benign based on ACMG/AMP sequence variant interpretation guidelines (Richards et al. 2015 PMID: 25741868, with internal and published modifications).